The following is an entry in ClinVar:

ClinVar aggregate classification (germline): Uncertain significance (1 of 4 stars; one submission).

Conditions:
Sotos syndrome (SOTOS). Also called: CEREBRAL GIGANTISM; Sotos' syndrome; Distinctive facial appearance, overgrowth in childhood, and learning disabilities or delayed development; SOTOS SYNDROME 1; CHROMOSOME 5q35 DELETION SYNDROME. Identifiers: Orphanet 821, MedGen C0175695, MONDO:0019349, OMIM 117550.

Submission:

Neuberg Centre For Genomic Medicine, NCGM
Classification: Uncertain significance for Sotos syndrome. Review status: criteria provided, single submitter. Criteria: ACMG Guidelines, 2015. Collection method: clinical testing. Allele origin: germline. Inheritance: Autosomal dominant inheritance. Affected: yes.
Comment: The missense c.3178C>G p.Pro1060Ala variant in NSD1 gene has not been reported previously as a pathogenic variant nor as a benign variant, to our knowledge. The p.Pro1060Ala variant is novel not in any individuals in gnomAD Exomes and 1000 Genomes. This variant has not been reported to the ClinVar database. The amino acid change p.Pro1060Ala in NSD1 is predicted as conserved by GERP++ and PhyloP across 100 vertebrates. The amino acid Pro at position 1060 is changed to a Ala changing protein sequence and it might alter its composition and physico-chemical properties. For these reasons, this variant has been classified as a Variant of Uncertain Significance VUS.

NM_022455.5(NSD1):c.3178C>G (p.Pro1060Ala)

Gene: NSD1 (nuclear receptor binding SET domain protein 1; plus strand). Cytogenetic location: 5q35.3.
Variant type: single nucleotide variant.
Coding change: c.3178C>G on transcript NM_022455.5 (MANE Select); coding-DNA position 3178, C replaced by G.
Protein change: p.Pro1060Ala; replaces proline 1060 with alanine.
Molecular consequence: missense variant.
Genome position (GRCh38, 1-based): chr5:177,211,577, C>G. VCF-style: chr5-177211577-C-G. GRCh37 (hg19) VCF-style: chr5-176638578-C-G.
Other names: c.2305C>G, p.Pro769Ala (NM_001365684.2, NM_001409306.1, NM_001409307.1 and 3 more transcripts); c.3178C>G, p.Pro1060Ala (NM_001409301.1, NM_001409302.1, NM_001409303.1); c.2758C>G, p.Pro920Ala (NM_001409304.1); c.2425C>G, p.Pro809Ala (NM_001409305.1); short protein forms P1060A, P769A, P809A, P920A.
Identifiers: ClinVar variation 3234878 (VCV003234878.1), dbSNP rs188847458, ClinGen allele CA362322527.